The following is an entry in ClinVar:

ClinVar aggregate classification (germline): Benign/Likely benign. Review status: criteria provided, multiple submitters, no conflicts (2 of 4 stars). 11 submissions from 11 submitters: Benign (5); Likely benign (5). 1 of the submissions does not count toward it. Last evaluated 2026-03-01.

Conditions:
TSC2-related disorder. Also called: TSC2-related condition; TSC2-Related Disorders.
Hereditary cancer-predisposing syndrome. Also called: Hereditary Cancer Syndrome; Tumor predisposition; Neoplastic Syndromes, Hereditary; Hereditary neoplastic syndrome. Identifiers: Orphanet 140162, MedGen C0027672, MeSH D009386, MONDO:0015356.
Tuberous sclerosis syndrome (TSC). Also called: Tuberous Sclerosis Complex; Tuberous sclerosis. Identifiers: Orphanet 805, MedGen C0041341, MONDO:0001734.
Tuberous sclerosis 2 (TSC2). Identifiers: Orphanet 805, MedGen C1860707, MONDO:0013199, OMIM 613254.

Allele frequency attached by ClinVar (database versions not stated): ExAC 0.00004; TOPMed 0.00008; gnomAD exomes 0.00010 and 0.00002; gnomAD 0.00003.
gnomAD v4.1: 44 of 1,613,026 alleles (0.0027%); highest among the groups gnomAD compares: Admixed American, 0.053%; no homozygotes.

Submissions (11):

CeGaT Center for Human Genetics Tuebingen
Classification: Likely benign. Last evaluated: 2026-03-01. Review status: criteria provided, single submitter. Criteria: CeGaT Center For Human Genetics Tuebingen Variant Classification Criteria Version 2. Collection method: clinical testing. Allele origin: germline. Affected: yes. Observed: 1 variant allele.
Comment: TSC2: BP4, BS1

Labcorp Genetics (formerly Invitae), Labcorp
Classification: Benign for Tuberous sclerosis 2. Last evaluated: 2026-01-27. Review status: criteria provided, single submitter. Criteria: Invitae Variant Classification Sherloc (09022015). Collection method: clinical testing. Allele origin: germline.

PreventionGenetics, part of Exact Sciences
Classification: Likely benign for TSC2-related condition. Last evaluated: 2025-12-31. Review status: criteria provided, single submitter. Criteria: ACMG Guidelines, 2015. Collection method: clinical testing. Allele origin: germline.
Comment: This variant is classified as likely benign based on ACMG/AMP sequence variant interpretation guidelines (Richards et al. 2015 PMID: 25741868, with internal and published modifications).

Women's Health and Genetics/Laboratory Corporation of America, LabCorp
Classification: Likely benign. Last evaluated: 2025-11-10. Review status: criteria provided, single submitter. Criteria: LabCorp Variant Classification Summary - May 2015. Collection method: clinical testing. Allele origin: germline.
Comment: Variant summary: TSC2 c.2873A>G (p.Asn958Ser) results in a conservative amino acid change in the encoded protein sequence. Algorithms developed to predict the effect of missense changes on protein structure and function are either unavailable or do not agree on the potential impact of this missense change. The variant allele was found at a frequency of 0.0001 in 250912 control chromosomes. The observed variant frequency exceeds the estimated maximal expected allele frequency for disease-causing variants in TSC2. To our knowledge, no occurrence of c.2873A>G in individuals affected with TSC2-related conditions and no experimental evidence demonstrating its impact on protein function have been reported. ClinVar contains an entry for this variant (Variation ID: 65137). Based on the evidence outlined above, the variant was classified as likely benign.

Blueprint Genetics
Classification: Likely benign. Last evaluated: 2023-11-27. Review status: criteria provided, single submitter. Criteria: ACMG Guidelines, 2015. Collection method: clinical testing. Allele origin: germline.

Color Diagnostics, LLC DBA Color Health
Classification: Benign for Tuberous sclerosis syndrome. Last evaluated: 2022-08-31. Review status: criteria provided, single submitter. Criteria: ACMG Guidelines, 2015. Collection method: clinical testing. Allele origin: germline.

Genome-Nilou Lab
Classification: Benign for Tuberous sclerosis 2. Last evaluated: 2021-11-07. Review status: criteria provided, single submitter. Criteria: ACMG Guidelines, 2015. Collection method: clinical testing. Allele origin: germline. Affected: no.

Sema4
Classification: Benign for Hereditary cancer-predisposing syndrome. Last evaluated: 2020-07-20. Review status: criteria provided, single submitter. Criteria: Sema4 Curation Guidelines. Collection method: curation. Allele origin: germline.

GeneDx
Classification: Benign. Last evaluated: 2019-07-29. Review status: criteria provided, single submitter. Criteria: GeneDx Variant Classification Process June 2021. Collection method: clinical testing. Allele origin: germline. Affected: yes.
Comment: This variant is associated with the following publications: (PMID: 22903760, 26703369)

Ambry Genetics
Classification: Likely benign for Hereditary cancer-predisposing syndrome. Last evaluated: 2018-09-28. Review status: criteria provided, single submitter. Criteria: Ambry Variant Classification Scheme 2023. Collection method: clinical testing. Allele origin: germline.

Tuberous sclerosis database (TSC2)
No classification provided. Condition: TSC. Review status: no classification provided. Criteria: Tuberous Sclerosis Database Assertion Criteria 2015. Collection method: curation. Allele origin: germline. Affected: yes. Not counted in ClinVar's aggregate classification.

Literature cited by the submitters: PubMed 22903760 (cited by Ambry Genetics); PubMed 26703369 (cited by Ambry Genetics).

NM_000548.5(TSC2):c.2873A>G (p.Asn958Ser)

Gene: TSC2 (TSC complex subunit 2; plus strand). Cytogenetic location: 16p13.3.
Variant type: single nucleotide variant.
Coding change: c.2873A>G on transcript NM_000548.5 (MANE Select); coding-DNA position 2873, A replaced by G.
Protein change: p.Asn958Ser; replaces asparagine 958 with serine.
Molecular consequence: missense variant. On other transcripts: intron variant (9).
Genome position (GRCh38, 1-based): chr16:2,077,633, A>G. VCF-style: chr16-2077633-A-G. GRCh37 (hg19) VCF-style: chr16-2127634-A-G.
Other names: c.2873A>G, p.Asn958Ser (NM_001114382.3); c.2837+1048A>G (NM_021055.3, NM_001370405.1, NM_001363528.2 and 2 more transcripts); c.2726+1048A>G (NM_001318827.2); c.2237+1048A>G (NM_001318831.2); c.2690+1048A>G (NM_001318829.2); c.2870+1048A>G (NM_001318832.2); c.2873A>G (NM_000548.4); short protein forms N958S.
Identifiers: ClinVar variation 65137 (VCV000065137.26), dbSNP rs397515104, ClinGen allele CA018300.